The following is an entry in ClinVar:

ClinVar aggregate classification (germline): Uncertain significance (1 of 4 stars; one submission).

Submission:

Labcorp Genetics (formerly Invitae), Labcorp
Classification: Uncertain significance. Last evaluated: 2025-02-14. Review status: criteria provided, single submitter. Criteria: Invitae Variant Classification Sherloc (09022015). Collection method: clinical testing. Allele origin: germline.
Comment: This sequence change replaces alanine, which is neutral and non-polar, with glutamic acid, which is acidic and polar, at codon 361 of the ACOX2 protein (p.Ala361Glu). This variant is not present in population databases (gnomAD no frequency). This variant has not been reported in the literature in individuals affected with ACOX2-related conditions. Invitae Evidence Modeling of protein sequence and biophysical properties (such as structural, functional, and spatial information, amino acid conservation, physicochemical variation, residue mobility, and thermodynamic stability) has been performed for this missense variant. However, the output from this modeling did not meet the statistical confidence thresholds required to predict the impact of this variant on ACOX2 protein function. In summary, the available evidence is currently insufficient to determine the role of this variant in disease. Therefore, it has been classified as a Variant of Uncertain Significance.

NM_003500.4(ACOX2):c.1082C>A (p.Ala361Glu)

Gene: ACOX2 (acyl-CoA oxidase 2; minus strand). Cytogenetic location: 3p14.3.
Variant type: single nucleotide variant.
Coding change: c.1082C>A on transcript NM_003500.4 (MANE Select); coding-DNA position 1082, C replaced by A.
Protein change: p.Ala361Glu; replaces alanine 361 with glutamic acid.
Molecular consequence: missense variant.
Genome position (GRCh38, 1-based): chr3:58,528,867, G>T on the plus strand (C>A on the coding strand, the complement: ACOX2 is on the minus strand). VCF-style: chr3-58528867-G-T. GRCh37 (hg19) VCF-style: chr3-58514594-G-T.
Other names: short protein forms A361E.
Identifiers: ClinVar variation 4742172 (VCV004742172.1).